The following is an entry in ClinVar:

NM_177531.6(PKHD1L1):c.6764C>T (p.Pro2255Leu)

Gene: PKHD1L1 (PKHD1 like 1; plus strand). Cytogenetic location: 8q23.1.
Variant type: single nucleotide variant.
Coding change: c.6764C>T on transcript NM_177531.6 (MANE Select); coding-DNA position 6764, C replaced by T.
Protein change: p.Pro2255Leu; replaces proline 2255 with leucine.
Molecular consequence: missense variant.
Genome position (GRCh38, 1-based): chr8:109,454,742, C>T. VCF-style: chr8-109454742-C-T. GRCh37 (hg19) VCF-style: chr8-110466971-C-T.
Other names: short protein forms P2255L.
Identifiers: ClinVar variation 4979309 (VCV004979309.1).
Genomic context (GRCh38, chr8:109,454,742, plus strand): 5'-GGTTTTAATTTTCTGAATGGCATTTGTGACATCTTTTGCAGATTGGAACAGAGACATCCC[C>T]ATTCCAACACAAGGCTGTCATTACCTTGCATGGTCACCTGCGATCTCCTGAGCTCCCTGT-3'
Protein context (NP_803875.2, residues 2245-2265): GVLQIGTETS[Pro2255Leu]FQHKAVITLH

ClinVar aggregate classification (germline): Likely benign (1 of 4 stars; one submission).

Conditions:
PKHD1L1-related disorder. Also called: PKHD1L1-related condition.

gnomAD v4.1: 221 of 1,613,768 alleles (0.014%); highest among the groups gnomAD compares: African/African-American, 0.27%; 1 homozygote.

Submission:

PreventionGenetics, part of Exact Sciences
Classification: Likely benign for PKHD1L1-related condition. Last evaluated: 2025-05-01. Review status: criteria provided, single submitter. Criteria: ACMG Guidelines, 2015. Collection method: clinical testing. Allele origin: germline.
Comment: This variant is classified as likely benign based on ACMG/AMP sequence variant interpretation guidelines (Richards et al. 2015 PMID: 25741868, with internal and published modifications).